The following is an entry in ClinVar:

NM_001134363.3(RBM20):c.1292_1293del (p.Val431fs)

Gene: RBM20 (RNA binding motif protein 20; plus strand). Cytogenetic location: 10q25.2.
Variant type: Microsatellite.
Coding change: c.1292_1293del on transcript NM_001134363.3 (MANE Select); coding-DNA positions 1292 to 1293, 2 bases deleted (TG; older notation c.1292_1293delTG).
Protein change: p.Val431fs; shifts the reading frame from valine 431.
Molecular consequence: frameshift variant.
Genome position (GRCh38, 1-based): chr10:110,783,382-110,783,383, TG deleted; deleting any 2 consecutive bases within chr10:110,783,380-110,783,383 gives the same sequence; the c. name uses the placement nearest the transcript's 3' end. VCF-style (leftmost placement, unchanged base first): chr10-110783379-ATG-A. GRCh37 (hg19) VCF-style: chr10-112543137-ATG-A.
Other names: short protein forms V431fs.
Identifiers: ClinVar variation 2191372 (VCV002191372.4), dbSNP rs2493417684, ClinGen allele CA2580616872.

ClinVar aggregate classification (germline): Pathogenic (1 of 4 stars; one submission).

Conditions:
Dilated cardiomyopathy 1DD (CMD1DD). Identifiers: Orphanet 154, MedGen C2750995, MONDO:0013168, OMIM 613172.

Submission:

Labcorp Genetics (formerly Invitae), Labcorp
Classification: Pathogenic for Dilated cardiomyopathy 1DD. Last evaluated: 2025-12-08. Review status: criteria provided, single submitter. Criteria: Invitae Variant Classification Sherloc (09022015). Collection method: clinical testing. Allele origin: germline.
Comment: This sequence change creates a premature translational stop signal (p.Val431Glufs*14) in the RBM20 gene. It is expected to result in an absent or disrupted protein product. Loss-of-function variants in RBM20 are known to be pathogenic (PMID: 20590677, 22004663, 38288598, 38510713, 40339755). This variant is not present in population databases (gnomAD no frequency). This variant has not been reported in the literature in individuals affected with RBM20-related conditions. For these reasons, this variant has been classified as Pathogenic.

Literature cited by the submitters: PubMed 20590677; PubMed 22004663; PubMed 38288598; PubMed 38510713; PubMed 40339755.